The following is an entry in ClinVar:

NM_032444.4(SLX4):c.760+4T>C

Gene: SLX4 (SLX4 structure-specific endonuclease subunit; minus strand). Cytogenetic location: 16p13.3.
Variant type: single nucleotide variant.
Coding change: c.760+4T>C on transcript NM_032444.4 (MANE Select); 4 bases into the intron after coding-DNA position 760, T replaced by C.
Molecular consequence: intron variant.
Genome position (GRCh38, 1-based): chr16:3,606,470, A>G on the plus strand (T>C on the coding strand, the complement: SLX4 is on the minus strand). VCF-style: chr16-3606470-A-G. GRCh37 (hg19) VCF-style: chr16-3656471-A-G.
Identifiers: ClinVar variation 1517603 (VCV001517603.7), dbSNP rs552926547, ClinGen allele CA7866766.

ClinVar aggregate classification (germline): Conflicting classifications of pathogenicity. Review status: criteria provided, conflicting classifications (1 of 4 stars). 2 submissions from 2 submitters: Uncertain significance (1); Likely benign (1). Last evaluated 2024-10-16.

Conditions:
Fanconi anemia (FA). Also called: Fanconi's anemia. Identifiers: Orphanet 84, MedGen C0015625, MeSH D005199, MONDO:0019391.

Allele frequency attached by ClinVar (database versions not stated): ExAC 0.00001; gnomAD exomes 0.00001; gnomAD 0.00002.
gnomAD v4.1: 20 of 1,613,876 alleles (0.0012%); highest among the groups gnomAD compares: Non-Finnish European, 0.0017%; no homozygotes.

Submissions (2):

Labcorp Genetics (formerly Invitae), Labcorp
Classification: Uncertain significance for Fanconi anemia. Last evaluated: 2024-10-16. Review status: criteria provided, single submitter. Criteria: Invitae Variant Classification Sherloc (09022015). Collection method: clinical testing. Allele origin: germline.
Comment: This sequence change falls in intron 3 of the SLX4 gene. It does not directly change the encoded amino acid sequence of the SLX4 protein. It affects a nucleotide within the consensus splice site. This variant is present in population databases (rs552926547, gnomAD 0.002%). This variant has not been reported in the literature in individuals affected with SLX4-related conditions. ClinVar contains an entry for this variant (Variation ID: 1517603). Variants that disrupt the consensus splice site are a relatively common cause of aberrant splicing (PMID: 17576681, 9536098). Algorithms developed to predict the effect of sequence changes on RNA splicing suggest that this variant is not likely to affect RNA splicing. In summary, the available evidence is currently insufficient to determine the role of this variant in disease. Therefore, it has been classified as a Variant of Uncertain Significance.

Blueprint Genetics
Classification: Likely benign. Last evaluated: 2022-08-08. Review status: criteria provided, single submitter. Criteria: ACMG Guidelines, 2015. Collection method: clinical testing. Allele origin: germline.

Literature cited by the submitters: PubMed 17576681 (cited by Labcorp Genetics (formerly Invitae), Labcorp); PubMed 9536098 (cited by Labcorp Genetics (formerly Invitae), Labcorp).